The following is an entry in ClinVar:

NM_001377.3(DYNC2H1):c.6152G>A (p.Trp2051Ter)

Gene: DYNC2H1 (dynein cytoplasmic 2 heavy chain 1; plus strand). Cytogenetic location: 11q22.3.
Variant type: single nucleotide variant.
Coding change: c.6152G>A on transcript NM_001377.3 (MANE Select); coding-DNA position 6152, G replaced by A.
Protein change: p.Trp2051Ter; replaces tryptophan 2051 with a stop codon.
Molecular consequence: nonsense.
Genome position (GRCh38, 1-based): chr11:103,179,038, G>A. VCF-style: chr11-103179038-G-A. GRCh37 (hg19) VCF-style: chr11-103049767-G-A.
Other names: c.6152G>A, p.Trp2051Ter (NM_001080463.2); short protein forms W2051*.
Identifiers: ClinVar variation 5015298 (VCV005015298.1).

ClinVar aggregate classification (germline): Pathogenic (1 of 4 stars; one submission).

Conditions:
Asphyxiating thoracic dystrophy 3. Also called: SHORT-RIB THORACIC DYSPLASIA 3 WITH OR WITHOUT POLYDACTYLY; POLYDACTYLY WITH NEONATAL CHONDRODYSTROPHY, TYPE I; SHORT-RIB THORACIC DYSPLASIA 3/6 WITH POLYDACTYLY, DIGENIC; Short rib polydactyly syndrome 2B; Saldino-Noonan Syndrome. Identifiers: Orphanet 474, Orphanet 93269, Orphanet 93270, Orphanet 93271, MedGen C0036069, MONDO:0013127, OMIM 613091.

gnomAD v4.1: 1 of 1,608,216 alleles (0.000062%); highest among the groups gnomAD compares: Admixed American, 0.0017%; no homozygotes.

Submission:

Myriad Genetics, Inc.
Classification: Pathogenic for Asphyxiating thoracic dystrophy 3. Last evaluated: 2025-12-08. Review status: criteria provided, single submitter. Criteria: Myriad Autosomal Dominant, Autosomal Recessive and X-Linked Classification Criteria (2023). Collection method: clinical testing. Allele origin: unknown.
Comment: NM_001377.2(DYNC2H1):c.6152G>A(W2051*) is expected to be pathogenic in the context of DYNC2H1-related disorders. This variant is predicted to lead to an abnormal or absent protein product due to the creation of a premature termination codon in DYNC2H1, a gene where loss-of-function variants are known to be pathogenic. Please note: this variant was assessed in the context of healthy population screening.